The following is an entry in ClinVar:

ClinVar aggregate classification (germline): Uncertain significance (1 of 4 stars; one submission).

Submission:

GeneDx
Classification: Uncertain significance. Last evaluated: 2025-06-12. Review status: criteria provided, single submitter. Criteria: GeneDx Variant Classification Process June 2021. Collection method: clinical testing. Allele origin: germline. Affected: yes.
Comment: Not observed at significant frequency in large population cohorts (gnomAD); In silico analysis suggests that this missense variant does not alter protein structure/function; Has not been previously published as pathogenic or benign to our knowledge

NM_017588.3(WDR5):c.386G>A (p.Ser129Asn)

Gene: WDR5 (WD repeat domain 5; plus strand). Cytogenetic location: 9q34.2.
Variant type: single nucleotide variant.
Coding change: c.386G>A on transcript NM_017588.3 (MANE Select); coding-DNA position 386, G replaced by A.
Protein change: p.Ser129Asn; replaces serine 129 with asparagine.
Molecular consequence: missense variant.
Genome position (GRCh38, 1-based): chr9:134,142,364, G>A. VCF-style: chr9-134142364-G-A. GRCh37 (hg19) VCF-style: chr9-137007486-G-A.
Other names: c.386G>A, p.Ser129Asn (NM_001384414.1, NM_001384415.1, NM_001384416.1 and 6 more transcripts); c.377G>A, p.Ser126Asn (NM_001384417.1); c.257G>A, p.Ser86Asn (NM_001384418.1, NM_001384419.1); short protein forms S126N, S129N, S86N.
Identifiers: ClinVar variation 4537775 (VCV004537775.1).